The following is an entry in ClinVar:

ClinVar aggregate classification (germline): Likely benign (1 of 4 stars; one submission).

Submission:

CeGaT Center for Human Genetics Tuebingen
Classification: Likely benign. Last evaluated: 2026-02-01. Review status: criteria provided, single submitter. Criteria: CeGaT Center For Human Genetics Tuebingen Variant Classification Criteria Version 2. Collection method: clinical testing. Allele origin: germline. Affected: yes. Observed: 1 variant allele.
Comment: APOBR: BP4, BP7

NM_018690.4(APOBR):c.933G>A (p.Glu311=)

Gene: APOBR (apolipoprotein B receptor; plus strand). Cytogenetic location: 16p12.1.
Variant type: single nucleotide variant.
Coding change: c.933G>A on transcript NM_018690.4 (MANE Select); coding-DNA position 933, G replaced by A.
Protein change: p.Glu311=; no amino-acid change (glutamic acid 311 retained).
Molecular consequence: synonymous variant.
Genome position (GRCh38, 1-based): chr16:28,495,974, G>A. VCF-style: chr16-28495974-G-A. GRCh37 (hg19) VCF-style: chr16-28507295-G-A.
Identifiers: ClinVar variation 4820734 (VCV004820734.4).